The following is an entry in ClinVar:

ClinVar aggregate classification (germline): Uncertain significance (1 of 4 stars; one submission).

Allele frequency attached by ClinVar (database versions not stated): gnomAD exomes below 0.00001; gnomAD 0.00001.
gnomAD v4.1: 3 of 1,589,880 alleles (0.00019%); highest among the groups gnomAD compares: South Asian, 0.0034%; no homozygotes.

Submission:

Labcorp Genetics (formerly Invitae), Labcorp
Classification: Uncertain significance. Last evaluated: 2022-07-06. Review status: criteria provided, single submitter. Criteria: Invitae Variant Classification Sherloc (09022015). Collection method: clinical testing. Allele origin: germline.
Comment: In summary, the available evidence is currently insufficient to determine the role of this variant in disease. Therefore, it has been classified as a Variant of Uncertain Significance. Algorithms developed to predict the effect of missense changes on protein structure and function are either unavailable or do not agree on the potential impact of this missense change (SIFT: "Deleterious"; PolyPhen-2: "Not Available"; Align-GVGD: "Class C0"). This variant has not been reported in the literature in individuals affected with KAT6A-related conditions. This variant is not present in population databases (gnomAD no frequency). This sequence change replaces glutamine, which is neutral and polar, with leucine, which is neutral and non-polar, at codon 1680 of the KAT6A protein (p.Gln1680Leu).

NM_006766.5(KAT6A):c.5039A>T (p.Gln1680Leu)

Gene: KAT6A (lysine acetyltransferase 6A; minus strand). Cytogenetic location: 8p11.21.
Variant type: single nucleotide variant.
Coding change: c.5039A>T on transcript NM_006766.5 (MANE Select); coding-DNA position 5039, A replaced by T.
Protein change: p.Gln1680Leu; replaces glutamine 1680 with leucine.
Molecular consequence: missense variant.
Genome position (GRCh38, 1-based): chr8:41,933,181, T>A on the plus strand (A>T on the coding strand, the complement: KAT6A is on the minus strand). VCF-style: chr8-41933181-T-A. GRCh37 (hg19) VCF-style: chr8-41790699-T-A.
Other names: short protein forms Q1680L.
Identifiers: ClinVar variation 1912631 (VCV001912631.5), dbSNP rs1821650284, ClinGen allele CA371063790.